The following is an entry in ClinVar:

ClinVar aggregate classification (germline): Likely pathogenic (1 of 4 stars; one submission).

Conditions:
Niemann-Pick disease, type C1. Also called: NIEMANN-PICK DISEASE, VARIANT TYPE C1; NEUROVISCERAL STORAGE DISEASE WITH VERTICAL SUPRANUCLEAR OPHTHALMOPLEGIA; NIEMANN-PICK DISEASE WITH CHOLESTEROL ESTERIFICATION BLOCK; NIEMANN-PICK DISEASE WITHOUT SPHINGOMYELINASE DEFICIENCY; NIEMANN-PICK DISEASE, CHRONIC NEURONOPATHIC FORM. Identifiers: Orphanet 646, MedGen C3179455, MONDO:0009757, OMIM 257220.

Submission:

Natera, Inc.
Classification: Likely pathogenic for Niemann-Pick disease type C1. Last evaluated: 2025-02-05. Review status: criteria provided, single submitter. Criteria: Natera Variant Classification Schema (03/2026). Collection method: clinical testing. Allele origin: germline.
Comment: The c.3107C>A variant in NPC1 is a missense variant predicted to cause substitution of threonine to lysine at amino acid 1036. This variant is rare in the general population with a frequency below the threshold expected for the associated phenotype(s). This variant has been observed in one or more individuals affected with the associated recessive disease, as either homozygous or compound heterozygous with a second variant (PMID: 16098014). This variant has been identified in one or more affected individual with a phenotype highly consistent with the associated gene (PMID: 16098014). A different variant at the same position has been determined to be Pathogenic or Likely Pathogenic. Computational prediction algorithms indicate this variant is likely to affect gene or protein function. Given the available evidence, this variant is classified as Likely Pathogenic.

Literature cited by the submitters: PubMed 16098014.

NM_000271.5(NPC1):c.3107C>A (p.Thr1036Lys)

Gene: NPC1 (NPC intracellular cholesterol transporter 1; minus strand). Cytogenetic location: 18q11.2.
Variant type: single nucleotide variant.
Coding change: c.3107C>A on transcript NM_000271.5 (MANE Select); coding-DNA position 3107, C replaced by A.
Protein change: p.Thr1036Lys; replaces threonine 1036 with lysine.
Molecular consequence: missense variant.
Genome position (GRCh38, 1-based): chr18:23,536,811, G>T on the plus strand (C>A on the coding strand, the complement: NPC1 is on the minus strand). VCF-style: chr18-23536811-G-T. GRCh37 (hg19) VCF-style: chr18-21116775-G-T.
Other names: short protein forms T1036K.
Identifiers: ClinVar variation 4818064 (VCV004818064.1).
Genomic context (GRCh38, chr18:23,536,811, plus strand): 5'-TTCAGAGCGTCAATAAAGTCAGCAGAGGTCTGCAGCACGGTGTGGTAGGTCATGAAGTAC[G>T]TGGCTCCGACCCTGGTGCCATGGCCAAGGAGGATGTTAACTGCAGAACTATAGGCAGCAT-3'
Protein context (NP_000262.2, residues 1026-1046): LLGHGTRVGA[Thr1036Lys]YFMTYHTVLQ